The following is an entry in ClinVar:

ClinVar aggregate classification (germline): Uncertain significance (1 of 4 stars; one submission).

gnomAD v4.1: 1 of 1,614,090 alleles (0.000062%); highest among the groups gnomAD compares: Non-Finnish European, 0.000085%; no homozygotes.

Submission:

CeGaT Center for Human Genetics Tuebingen
Classification: Uncertain significance. Last evaluated: 2025-02-01. Review status: criteria provided, single submitter. Criteria: CeGaT Center For Human Genetics Tuebingen Variant Classification Criteria Version 2. Collection method: clinical testing. Allele origin: germline. Affected: yes. Observed: 1 variant allele.
Comment: MACF1: PM2:Supporting, BP4

NM_001394062.1(MACF1):c.13481A>C (p.Lys4494Thr)

Gene: MACF1 (microtubule actin crosslinking factor 1; plus strand). Cytogenetic location: 1p34.3.
Variant type: single nucleotide variant.
Coding change: c.13481A>C on transcript NM_001394062.1 (MANE Select); coding-DNA position 13481, A replaced by C.
Protein change: p.Lys4494Thr; replaces lysine 4494 with threonine.
Molecular consequence: missense variant.
Genome position (GRCh38, 1-based): chr1:39,379,407, A>C. VCF-style: chr1-39379407-A-C. GRCh37 (hg19) VCF-style: chr1-39845079-A-C.
Other names: c.7295A>C, p.Lys2432Thr (NM_012090.5); short protein forms K2432T, K4494T.
Identifiers: ClinVar variation 3771344 (VCV003771344.13).